The following is an entry in ClinVar:

ClinVar aggregate classification (germline): Uncertain significance (1 of 4 stars; one submission).

Conditions:
Hereditary cancer-predisposing syndrome. Also called: Tumor predisposition; Hereditary Cancer Syndrome; Hereditary neoplastic syndrome; Neoplastic Syndromes, Hereditary. Identifiers: Orphanet 140162, MedGen C0027672, MeSH D009386, MONDO:0015356.

gnomAD v4.1: 1 of 1,613,750 alleles (0.000062%); highest among the groups gnomAD compares: South Asian, 0.0011%; no homozygotes.

Submission:

Ambry Genetics
Classification: Uncertain significance for Hereditary cancer-predisposing syndrome. Last evaluated: 2024-05-17. Review status: criteria provided, single submitter. Criteria: Ambry Variant Classification Scheme 2023. Collection method: clinical testing. Allele origin: germline.
Comment: The p.V255A variant (also known as c.764T>C), located in coding exon 6 of the FH gene, results from a T to C substitution at nucleotide position 764. The valine at codon 255 is replaced by alanine, an amino acid with similar properties. This amino acid position is conserved. In addition, this alteration is predicted to be deleterious by in silico analysis. Based on the available evidence, the clinical significance of this variant remains unclear.

NM_000143.4(FH):c.764T>C (p.Val255Ala)

Gene: FH (fumarate hydratase; minus strand). Cytogenetic location: 1q43.
Variant type: single nucleotide variant.
Coding change: c.764T>C on transcript NM_000143.4 (MANE Select); coding-DNA position 764, T replaced by C.
Protein change: p.Val255Ala; replaces valine 255 with alanine.
Molecular consequence: missense variant.
Genome position (GRCh38, 1-based): chr1:241,506,143, A>G on the plus strand (T>C on the coding strand, the complement: FH is on the minus strand). VCF-style: chr1-241506143-A-G. GRCh37 (hg19) VCF-style: chr1-241669443-A-G.
Other names: short protein forms V255A.
Identifiers: ClinVar variation 3278747 (VCV003278747.1).
Genomic context (GRCh38, chr1:241,506,143, plus strand): 5'-CCAGCTGCGAGCTCATAGATTCTTGGCATGGCAGCTTTTATTCTTGTCATTGCATATTTT[A>G]CTTGTTGAACATAACCACTAAATTCCTGAAAAGAAAAGAAAATTAAGGTAAGAATAAGTA-3'
Protein context (NP_000134.2, residues 245-265): GQEFSGYVQQ[Val255Ala]KYAMTRIKAA